The following is an entry in ClinVar:

ClinVar aggregate classification (germline): Uncertain significance (1 of 4 stars; one submission).

Conditions:
Polycystic kidney disease, adult type (PKD1). Also called: Polycystic Kidney, Autosomal Dominant; POLYCYSTIC KIDNEY DISEASE, ADULT, TYPE I; Polycystic Kidney Disease 1, Autosomal Dominant; Polycystic kidney disease 1; Polycystic kidney disease 1, severe; POLYCYSTIC KIDNEY DISEASE 1 WITH OR WITHOUT POLYCYSTIC LIVER DISEASE. Identifiers: MedGen C3149841, MONDO:0008263, OMIM 173900.

gnomAD v4.1: 9 of 1,590,128 alleles (0.00057%); highest among the groups gnomAD compares: Admixed American, 0.0017%; no homozygotes.

Submission:

MVZ Medizinische Genetik Mainz
Classification: Uncertain significance for Polycystic kidney disease, adult type. Last evaluated: 2026-07-07. Review status: criteria provided, single submitter. Criteria: UK Practice Guidelines For Variant Classification V4 01 2020. Collection method: clinical testing. Allele origin: germline. Inheritance: Autosomal dominant inheritance. Affected: yes. Observed: 1 variant allele.
Comment: ACMG Criteria: PM2_SUP,PP4

NM_001009944.3(PKD1):c.7424C>T (p.Ser2475Phe)

Gene: PKD1 (polycystin 1, transient receptor potential channel interacting; minus strand). Cytogenetic location: 16p13.3.
Variant type: single nucleotide variant.
Coding change: c.7424C>T on transcript NM_001009944.3 (MANE Select); coding-DNA position 7424, C replaced by T.
Protein change: p.Ser2475Phe; replaces serine 2475 with phenylalanine.
Molecular consequence: missense variant.
Genome position (GRCh38, 1-based): chr16:2,106,463, G>A on the plus strand (C>T on the coding strand, the complement: PKD1 is on the minus strand). VCF-style: chr16-2106463-G-A. GRCh37 (hg19) VCF-style: chr16-2156464-G-A.
Other names: c.7424C>T, p.Ser2475Phe (NM_000296.4); short protein forms S2475F.
Identifiers: ClinVar variation 4879869 (VCV004879869.1).